The following is an entry in ClinVar:

NM_015884.4(MBTPS2):c.250G>A (p.Val84Ile)

Gene: MBTPS2 (membrane bound transcription factor peptidase, site 2; plus strand). Cytogenetic location: Xp22.12.
Variant type: single nucleotide variant.
Coding change: c.250G>A on transcript NM_015884.4 (MANE Select); coding-DNA position 250, G replaced by A.
Protein change: p.Val84Ile; replaces valine 84 with isoleucine.
Molecular consequence: missense variant.
Genome position (GRCh38, 1-based): chrX:21,845,196, G>A. VCF-style: chrX-21845196-G-A. GRCh37 (hg19) VCF-style: chrX-21863314-G-A.
Other names: c.250G>A (NM_015884.3); short protein forms V84I.
Identifiers: ClinVar variation 1600849 (VCV001600849.11), dbSNP rs139868528, ClinGen allele CA10367321.

ClinVar aggregate classification (germline): Benign/Likely benign. Review status: criteria provided, multiple submitters, no conflicts (2 of 4 stars). 4 submissions from 4 submitters: Benign (1); Likely benign (3). Last evaluated 2026-01-05.

Conditions:
Inborn genetic diseases. Identifiers: MedGen C0950123, MeSH D030342.

Allele frequency attached by ClinVar (database versions not stated): gnomAD exomes 0.00004 and 0.00006; ExAC 0.00007; gnomAD 0.00007 and 0.00009; TOPMed 0.00009; ESP Exome Variant Server 0.00019.

Submissions (4):

Labcorp Genetics (formerly Invitae), Labcorp
Classification: Benign. Last evaluated: 2026-01-05. Review status: criteria provided, single submitter. Criteria: Invitae Variant Classification Sherloc (09022015). Collection method: clinical testing. Allele origin: germline.

Ambry Genetics
Classification: Likely benign for Inborn genetic diseases. Last evaluated: 2025-11-02. Review status: criteria provided, single submitter. Criteria: Ambry Variant Classification Scheme 2023. Collection method: clinical testing. Allele origin: germline.

Women's Health and Genetics/Laboratory Corporation of America, LabCorp
Classification: Likely benign. Last evaluated: 2024-08-27. Review status: criteria provided, single submitter. Criteria: LabCorp Variant Classification Summary - May 2015. Collection method: clinical testing. Allele origin: germline.
Comment: Variant summary: MBTPS2 c.250G>A (p.Val84Ile) results in a conservative amino acid change in the encoded protein sequence. Five of five in-silico tools predict a benign effect of the variant on protein function. The variant allele was found at a frequency of 4.2e-05 in 1208811 control chromosomes, including 9 hemizygotes.. This frequency is not significantly higher than estimated for a pathogenic variant in MBTPS2 causing MBTPS2-Related Disorders, allowing no conclusion about variant significance. To our knowledge, no occurrence of c.250G>A in individuals affected with MBTPS2-Related Disorders and no experimental evidence demonstrating its impact on protein function have been reported. ClinVar contains an entry for this variant (Variation ID: 1600849). Based on the evidence outlined above, the variant was classified as likely benign.

Blueprint Genetics
Classification: Likely benign. Last evaluated: 2024-03-15. Review status: criteria provided, single submitter. Criteria: ACMG Guidelines, 2015. Collection method: clinical testing. Allele origin: germline.